The following is an entry in ClinVar:

NM_000179.3(MSH6):c.3866_3880del (p.Phe1289_Ala1293del)

Gene: MSH6 (mutS homolog 6; plus strand). Cytogenetic location: 2p16.3.
Variant type: Deletion.
Coding change: c.3866_3880del on transcript NM_000179.3 (MANE Select); coding-DNA positions 3866 to 3880, 15 bases deleted (TCATTAAGGGAGCTT).
Protein change: p.Phe1289_Ala1293del.
Molecular consequence: inframe deletion. On other transcripts: non-coding transcript variant (5), intron variant (1), inframe indel (1).
Genome position (GRCh38, 1-based): chr2:47,806,516-47,806,530, TCATTAAGGGAGCTT deleted; deleting any 15 consecutive bases within chr2:47,806,515-47,806,530 gives the same sequence; the c. name uses the placement nearest the transcript's 3' end. VCF-style (leftmost placement, unchanged base first): chr2-47806514-ATTCATTAAGGGAGCT-A. GRCh37 (hg19) VCF-style: chr2-48033653-ATTCATTAAGGGAGCT-A.
Other names: c.3476_3490del, p.Phe1159_Ala1163del (NM_001281492.2); c.2960_2974del, p.Phe987_Ala991del (NM_001281493.2, NM_001281494.2, NM_001406811.1 and 6 more transcripts); c.3962_3976del, p.Phe1321_Ala1325del (NM_001406795.1); c.3866_3880del, p.Phe1289_Ala1293del (NM_001406796.1, NM_001406808.1, NM_001406809.1); c.3569_3583del, p.Phe1190_Ala1194del (NM_001406797.1, NM_001406801.1, NM_001406805.1 and 10 more transcripts); c.3692_3706del, p.Phe1231_Ala1235del (NM_001406798.1); c.3341_3355del, p.Phe1114_Ala1118del (NM_001406799.1, NM_001406806.1, NM_001406807.1); c.3853_3867del, p.Ser1285_Leu1289del (NM_001406800.1); and 10 more.
Identifiers: ClinVar variation 3230567 (VCV003230567.1), dbSNP rs2530863174, ClinGen allele CA2825001137.

ClinVar aggregate classification (germline): Uncertain significance (1 of 4 stars; one submission).

Conditions:
Hereditary cancer-predisposing syndrome. Also called: Neoplastic Syndromes, Hereditary; Tumor predisposition; Hereditary neoplastic syndrome; Hereditary Cancer Syndrome. Identifiers: Orphanet 140162, MedGen C0027672, MeSH D009386, MONDO:0015356.

Submission:

Ambry Genetics
Classification: Uncertain significance for Hereditary cancer-predisposing syndrome. Last evaluated: 2024-03-12. Review status: criteria provided, single submitter. Criteria: Ambry Variant Classification Scheme 2023. Collection method: clinical testing. Allele origin: germline.
Comment: The c.3866_3880del15 variant (also known as p.F1289_A1293del) is located in coding exon 9 of the MSH6 gene. This variant results from an in-frame TCATTAAGGGAGCTT deletion at nucleotide positions 3866 to 3880. This results in the in-frame deletion of FIKGA residues at codons 1289 to 1293. This amino acid region is well conserved in available vertebrate species. In addition, this alteration is predicted to be deleterious by in silico analysis (Choi Y et al. PLoS ONE. 2012; 7(10):e46688). Based on the available evidence, the clinical significance of this alteration remains unclear.